The following is an entry in ClinVar:

ClinVar aggregate classification (germline): Uncertain significance (1 of 4 stars; one submission).

Conditions:
Intellectual developmental disorder, autosomal dominant 1. Also called: MBD5 Haploinsufficiency; Intellectual disability, autosomal dominant 1. Identifiers: Orphanet 228402, MedGen C1969562, MONDO:0007974, OMIM 156200.

Submission:

Labcorp Genetics (formerly Invitae), Labcorp
Classification: Uncertain significance for Intellectual developmental disorder, autosomal dominant 1. Last evaluated: 2022-12-01. Review status: criteria provided, single submitter. Criteria: Invitae Variant Classification Sherloc (09022015). Collection method: clinical testing. Allele origin: germline.
Comment: This variant is not present in population databases (gnomAD no frequency). This sequence change replaces asparagine, which is neutral and polar, with isoleucine, which is neutral and non-polar, at codon 1267 of the MBD5 protein (p.Asn1267Ile). This variant has not been reported in the literature in individuals affected with MBD5-related conditions. In summary, the available evidence is currently insufficient to determine the role of this variant in disease. Therefore, it has been classified as a Variant of Uncertain Significance. Algorithms developed to predict the effect of missense changes on protein structure and function are either unavailable or do not agree on the potential impact of this missense change (SIFT: "Deleterious"; PolyPhen-2: "Not Available"; Align-GVGD: "Class C65").

NM_001378120.1(MBD5):c.4499A>T (p.Asn1500Ile)

Gene: MBD5 (methyl-CpG binding domain protein 5; plus strand). Cytogenetic location: 2q23.1.
Variant type: single nucleotide variant.
Coding change: c.4499A>T on transcript NM_001378120.1 (MANE Select); coding-DNA position 4499, A replaced by T.
Protein change: p.Asn1500Ile; replaces asparagine 1500 with isoleucine.
Molecular consequence: missense variant.
Genome position (GRCh38, 1-based): chr2:148,490,131, A>T. VCF-style: chr2-148490131-A-T. GRCh37 (hg19) VCF-style: chr2-149247700-A-T.
Other names: c.3800A>T, p.Asn1267Ile (NM_018328.5); short protein forms N1500I, N1267I.
Identifiers: ClinVar variation 2816549 (VCV002816549.3), dbSNP rs1424478334, ClinGen allele CA348729394.